The following is an entry in ClinVar:

NM_001369268.1(ACAN):c.1584G>C (p.Trp528Cys)

Gene: ACAN (aggrecan; plus strand). Cytogenetic location: 15q26.1.
Variant type: single nucleotide variant.
Coding change: c.1584G>C on transcript NM_001369268.1 (MANE Select); coding-DNA position 1584, G replaced by C.
Protein change: p.Trp528Cys; replaces tryptophan 528 with cysteine.
Molecular consequence: missense variant.
Genome position (GRCh38, 1-based): chr15:88,847,397, G>C. VCF-style: chr15-88847397-G-C. GRCh37 (hg19) VCF-style: chr15-89390628-G-C.
Other names: c.1584G>C, p.Trp528Cys (NM_001135.4, NM_001411096.1, NM_001411097.1 and 1 more transcripts); short protein forms W528C.
Identifiers: ClinVar variation 2580526 (VCV002580526.1), dbSNP rs2505272226, ClinGen allele CA393710810.

ClinVar aggregate classification (germline): Uncertain significance (1 of 4 stars; one submission).

Submission:

GeneDx
Classification: Uncertain significance. Last evaluated: 2023-03-24. Review status: criteria provided, single submitter. Criteria: GeneDx Variant Classification Process June 2021. Collection method: clinical testing. Allele origin: germline. Affected: yes.
Comment: Not observed at significant frequency in large population cohorts (gnomAD); In silico analysis supports that this missense variant has a deleterious effect on protein structure/function; Has not been previously published as pathogenic or benign to our knowledge